The following is an entry in ClinVar:

ClinVar aggregate classification (germline): Uncertain significance. Review status: criteria provided, multiple submitters, no conflicts (2 of 4 stars). 3 submissions from 3 submitters: Uncertain significance (3). Last evaluated 2025-10-28.

Conditions:
CHMP2B-related disorder. Also called: CHMP2B-related condition.
Frontotemporal dementia and/or amyotrophic lateral sclerosis 7 (FTDALS7). Also called: CHMP2B-related frontotemporal dementia; AMYOTROPHIC LATERAL SCLEROSIS, CHMP2B-RELATED; Amyotrophic lateral sclerosis 17; CHMP2B-Related Frontotemporal Dementia-Amyotrophic Lateral Sclerosis. Identifiers: Orphanet 275864, Orphanet 282, Orphanet 803, MedGen C1833296, MONDO:0010936, OMIM 600795.

Allele frequency attached by ClinVar (database versions not stated): ExAC 0.00003.

Submissions (3):

PreventionGenetics, part of Exact Sciences
Classification: Uncertain significance for CHMP2B-related condition. Last evaluated: 2025-10-28. Review status: criteria provided, single submitter. Criteria: ACMG Guidelines, 2015. Collection method: clinical testing. Allele origin: germline.
Comment: The CHMP2B c.614G>A variant is predicted to result in the amino acid substitution p.Arg205Gln. This variant has been reported in two individuals with amyotrophic lateral sclerosis, type 17 (Table S14, Chen et al. 2022. PubMed ID: 34544842). This variant is reported in 0.020% of alleles in individuals of Latino descent in gnomAD. At this time, the clinical significance of this variant is uncertain due to the absence of conclusive functional and genetic evidence.

Labcorp Genetics (formerly Invitae), Labcorp
Classification: Uncertain significance for Frontotemporal dementia and/or amyotrophic lateral sclerosis 7. Last evaluated: 2024-06-13. Review status: criteria provided, single submitter. Criteria: Invitae Variant Classification Sherloc (09022015). Collection method: clinical testing. Allele origin: germline.
Comment: This sequence change replaces arginine, which is basic and polar, with glutamine, which is neutral and polar, at codon 205 of the CHMP2B protein (p.Arg205Gln). This variant is present in population databases (rs750217435, gnomAD 0.02%). This variant has not been reported in the literature in individuals affected with CHMP2B-related conditions. ClinVar contains an entry for this variant (Variation ID: 1366006). An algorithm developed to predict the effect of missense changes on protein structure and function (PolyPhen-2) suggests that this variant is likely to be disruptive. In summary, the available evidence is currently insufficient to determine the role of this variant in disease. Therefore, it has been classified as a Variant of Uncertain Significance.

CeGaT Center for Human Genetics Tuebingen
Classification: Uncertain significance. Last evaluated: 2023-09-01. Review status: criteria provided, single submitter. Criteria: CeGaT Center For Human Genetics Tuebingen Variant Classification Criteria Version 2. Collection method: clinical testing. Allele origin: germline. Affected: yes. Observed: 1 variant allele.

NM_014043.4(CHMP2B):c.614G>A (p.Arg205Gln)

Gene: CHMP2B (charged multivesicular body protein 2B; plus strand). Cytogenetic location: 3p11.2.
Variant type: single nucleotide variant.
Coding change: c.614G>A on transcript NM_014043.4 (MANE Select); coding-DNA position 614, G replaced by A.
Protein change: p.Arg205Gln; replaces arginine 205 with glutamine.
Molecular consequence: missense variant.
Genome position (GRCh38, 1-based): chr3:87,253,794, G>A. VCF-style: chr3-87253794-G-A. GRCh37 (hg19) VCF-style: chr3-87302944-G-A.
Other names: c.491G>A, p.Arg164Gln (NM_001244644.2); c.614G>A (NM_014043.3); short protein forms R205Q, R164Q.
Identifiers: ClinVar variation 1366006 (VCV001366006.34), dbSNP rs750217435, ClinGen allele CA2501044.